The following is an entry in ClinVar:

ClinVar aggregate classification (germline): Uncertain significance. Review status: criteria provided, multiple submitters, no conflicts (2 of 4 stars). 3 submissions from 3 submitters: Uncertain significance (3). Last evaluated 2024-05-10.

Conditions:
Hereditary cancer-predisposing syndrome. Also called: Neoplastic Syndromes, Hereditary; Hereditary neoplastic syndrome; Tumor predisposition; Hereditary Cancer Syndrome. Identifiers: Orphanet 140162, MedGen C0027672, MeSH D009386, MONDO:0015356.
Global developmental delay - lung cysts - overgrowth - Wilms tumor syndrome. Also called: GLOW Syndrome; GLOBAL DEVELOPMENTAL DELAY, LUNG CYSTS, OVERGROWTH, AND WILMS TUMOR. Identifiers: Orphanet 404476, MedGen C4748924, MONDO:0018445, OMIM 618272.
DICER1-related tumor predisposition. Also called: DICER1 syndrome; DICER1-related pleuropulmonary blastoma cancer predisposition syndrome. Identifiers: Orphanet 284343, MedGen C3839822, MONDO:0100216.

Allele frequency attached by ClinVar (database versions not stated): gnomAD exomes below 0.00001.
gnomAD v4.1: 1 of 1,613,546 alleles (0.000062%); no homozygotes.

Submissions (3):

Ambry Genetics
Classification: Uncertain significance for Hereditary cancer-predisposing syndrome. Last evaluated: 2024-05-10. Review status: criteria provided, single submitter. Criteria: Ambry Variant Classification Scheme 2023. Collection method: clinical testing. Allele origin: germline.
Comment: The p.D118A variant (also known as c.353A>C), located in coding exon 3 of the DICER1 gene, results from an A to C substitution at nucleotide position 353. The aspartic acid at codon 118 is replaced by alanine, an amino acid with dissimilar properties. This amino acid position is highly conserved in available vertebrate species. In addition, the in silico prediction for this alteration is inconclusive. Based on the available evidence, the clinical significance of this variant remains unclear.

Baylor Genetics
Classification: Uncertain significance for Global developmental delay - lung cysts - overgrowth - Wilms tumor syndrome. Last evaluated: 2024-03-05. Review status: criteria provided, single submitter. Criteria: ACMG Guidelines, 2015. Collection method: clinical testing. Allele origin: unknown.

Labcorp Genetics (formerly Invitae), Labcorp
Classification: Uncertain significance for DICER1-related tumor predisposition. Last evaluated: 2024-02-20. Review status: criteria provided, single submitter. Criteria: Invitae Variant Classification Sherloc (09022015). Collection method: clinical testing. Allele origin: germline.
Comment: This sequence change replaces aspartic acid, which is acidic and polar, with alanine, which is neutral and non-polar, at codon 118 of the DICER1 protein (p.Asp118Ala). This variant is present in population databases (no rsID available, gnomAD no frequency). This variant has not been reported in the literature in individuals affected with DICER1-related conditions. ClinVar contains an entry for this variant (Variation ID: 664896). Advanced modeling of protein sequence and biophysical properties (such as structural, functional, and spatial information, amino acid conservation, physicochemical variation, residue mobility, and thermodynamic stability) performed at Invitae indicates that this missense variant is not expected to disrupt DICER1 protein function with a negative predictive value of 80%. In summary, the available evidence is currently insufficient to determine the role of this variant in disease. Therefore, it has been classified as a Variant of Uncertain Significance.

NM_177438.3(DICER1):c.353A>C (p.Asp118Ala)

Gene: DICER1 (dicer 1, ribonuclease III; minus strand). Cytogenetic location: 14q32.13.
Variant type: single nucleotide variant.
Coding change: c.353A>C on transcript NM_177438.3 (MANE Select); coding-DNA position 353, A replaced by C.
Protein change: p.Asp118Ala; replaces aspartic acid 118 with alanine.
Molecular consequence: missense variant.
Genome position (GRCh38, 1-based): chr14:95,131,594, T>G on the plus strand (A>C on the coding strand, the complement: DICER1 is on the minus strand). VCF-style: chr14-95131594-T-G. GRCh37 (hg19) VCF-style: chr14-95597931-T-G.
Other names: c.353A>C, p.Asp118Ala (NM_001195573.1, NM_001271282.3, NM_001291628.2 and 1 more transcripts); short protein forms D118A.
Identifiers: ClinVar variation 664896 (VCV000664896.12), dbSNP rs1442952372, ClinGen allele CA390889246.